The following is an entry in ClinVar:

ClinVar aggregate classification (germline): Uncertain significance (1 of 4 stars; one submission).

Conditions:
Inborn genetic diseases. Identifiers: MedGen C0950123, MeSH D030342.

gnomAD v4.1: 2 of 1,614,144 alleles (0.00012%); highest among the groups gnomAD compares: Non-Finnish European, 0.00017%; no homozygotes.

Submission:

Ambry Genetics
Classification: Uncertain significance for Inborn genetic diseases. Last evaluated: 2024-11-01. Review status: criteria provided, single submitter. Criteria: Ambry Variant Classification Scheme 2023. Collection method: clinical testing. Allele origin: germline.
Comment: The p.Q810H variant (also known as c.2430G>T), located in coding exon 17 of the LTBP3 gene, results from a G to T substitution at nucleotide position 2430. The glutamine at codon 810 is replaced by histidine, an amino acid with highly similar properties. This amino acid position is conserved. In addition, this alteration is predicted to be tolerated by in silico analysis. Based on the available evidence, the clinical significance of this variant remains unclear.

NM_001130144.3(LTBP3):c.2430G>T (p.Gln810His)

Gene: LTBP3 (latent transforming growth factor beta binding protein 3; minus strand). Cytogenetic location: 11q13.1.
Variant type: single nucleotide variant.
Coding change: c.2430G>T on transcript NM_001130144.3 (MANE Select); coding-DNA position 2430, G replaced by T.
Protein change: p.Gln810His; replaces glutamine 810 with histidine.
Molecular consequence: missense variant.
Genome position (GRCh38, 1-based): chr11:65,543,473, C>A on the plus strand (G>T on the coding strand, the complement: LTBP3 is on the minus strand). VCF-style: chr11-65543473-C-A. GRCh37 (hg19) VCF-style: chr11-65310944-C-A.
Other names: c.2079G>T, p.Gln693His (NM_001164266.1); c.2430G>T, p.Gln810His (NM_021070.4); short protein forms Q693H, Q810H.
Identifiers: ClinVar variation 3541118 (VCV003541118.1).
Genomic context (GRCh38, chr11:65,543,473, plus strand): 5'-CTAAGATCCCTCACCCTCGCAGTGGCTCCGGTCCCTGGACAGATGGTAGCCAGAGAGGCA[C>A]TGACACTGGAAAGATCCTGGCGTGTTGCTGCAGATGCCATTGTCACACACGTCCCCAGCC-3'
Protein context (NP_001123616.1, residues 800-820): CSNTPGSFQC[Gln810His]CLSGYHLSRD